The following is an entry in ClinVar:

NM_178510.2(ANKK1):c.952G>A (p.Gly318Arg)

Gene: ANKK1 (ankyrin repeat and kinase domain containing 1; plus strand). Cytogenetic location: 11q23.2.
Variant type: single nucleotide variant.
Coding change: c.952G>A on transcript NM_178510.2 (MANE Select); coding-DNA position 952, G replaced by A.
Protein change: p.Gly318Arg; replaces glycine 318 with arginine.
Molecular consequence: missense variant.
Genome position (GRCh38, 1-based): chr11:113,397,337, G>A. VCF-style: chr11-113397337-G-A. GRCh37 (hg19) VCF-style: chr11-113268059-G-A.
Other names: short protein forms G318R.
Identifiers: ClinVar variation 3060965 (VCV003060965.2), dbSNP rs11604671, ClinGen allele CA6280799.

ClinVar aggregate classification (germline): Benign (0 of 4 stars; one submission).

Conditions:
ANKK1-related disorder. Also called: ANKK1-related condition.

Allele frequency attached by ClinVar (database versions not stated): 1000 Genomes Project 0.22624; 1000 Genomes Project 30x 0.22720; TOPMed 0.33042; ESP Exome Variant Server 0.37467.
gnomAD v4.1: 731,952 of 1,610,528 alleles (45%); highest among the groups gnomAD compares: Non-Finnish European, 51%; 178,724 homozygotes.

Submission:

PreventionGenetics, part of Exact Sciences
Classification: Benign for ANKK1-related condition. Last evaluated: 2019-10-17. Review status: no assertion criteria provided. Collection method: clinical testing. Allele origin: germline.
Comment: This variant is classified as benign based on ACMG/AMP sequence variant interpretation guidelines (Richards et al. 2015 PMID: 25741868, with internal and published modifications).